The following is an entry in ClinVar:

ClinVar aggregate classification (germline): Pathogenic/Likely pathogenic. Review status: criteria provided, multiple submitters, no conflicts (2 of 4 stars). 2 submissions from 2 submitters: Pathogenic (1); Likely pathogenic (1). Last evaluated 2024-06-18.

Conditions:
Autosomal recessive nonsyndromic hearing loss 3. Also called: NEUROSENSORY NONSYNDROMIC RECESSIVE DEAFNESS 3. Identifiers: Orphanet 90636, MedGen C1838263, MONDO:0010860, OMIM 600316.

Submissions (2):

Fulgent Genetics
Classification: Likely pathogenic for Autosomal recessive nonsyndromic hearing loss 3. Last evaluated: 2024-06-18. Review status: criteria provided, single submitter. Criteria: ACMG Guidelines, 2015. Collection method: clinical testing. Allele origin: germline.

Labcorp Genetics (formerly Invitae), Labcorp
Classification: Pathogenic. Last evaluated: 2023-04-08. Review status: criteria provided, single submitter. Criteria: Invitae Variant Classification Sherloc (09022015). Collection method: clinical testing. Allele origin: germline.
Comment: For these reasons, this variant has been classified as Pathogenic. This variant has not been reported in the literature in individuals affected with MYO15A-related conditions. This variant is not present in population databases (gnomAD no frequency). This sequence change creates a premature translational stop signal (p.Tyr117Argfs*322) in the MYO15A gene. It is expected to result in an absent or disrupted protein product. Loss-of-function variants in MYO15A are known to be pathogenic (PMID: 17546645).

Literature cited by the submitters: PubMed 17546645 (cited by Labcorp Genetics (formerly Invitae), Labcorp).

NM_016239.4(MYO15A):c.349_364del (p.Tyr117fs)

Gene: MYO15A (myosin XVA; plus strand). Cytogenetic location: 17p11.2.
Variant type: Deletion.
Coding change: c.349_364del on transcript NM_016239.4 (MANE Select); coding-DNA positions 349 to 364, 16 bases deleted (TACGGCCGCCTGCGGC).
Protein change: p.Tyr117fs; shifts the reading frame from tyrosine 117.
Molecular consequence: frameshift variant.
Genome position (GRCh38, 1-based): chr17:18,119,149-18,119,164, TACGGCCGCCTGCGGC deleted; deleting any 16 consecutive bases within chr17:18,119,146-18,119,164 gives the same sequence; the c. name uses the placement nearest the transcript's 3' end. VCF-style (leftmost placement, unchanged base first): chr17-18119145-TGGCTACGGCCGCCTGC-T. GRCh37 (hg19) VCF-style: chr17-18022459-TGGCTACGGCCGCCTGC-T.
Other names: short protein forms Y117fs.
Identifiers: ClinVar variation 2804304 (VCV002804304.4), dbSNP rs2545173577, ClinGen allele CA2636435596.